The following is an entry in ClinVar:

NM_016938.5(EFEMP2):c.1156G>A (p.Asp386Asn)

Gene: EFEMP2 (EGF-like fibulin extracellular matrix protein 2; minus strand). Cytogenetic location: 11q13.1.
Variant type: single nucleotide variant.
Coding change: c.1156G>A on transcript NM_016938.5 (MANE Select); coding-DNA position 1156, G replaced by A.
Protein change: p.Asp386Asn; replaces aspartic acid 386 with asparagine.
Molecular consequence: missense variant. On other transcripts: non-coding transcript variant (1).
Genome position (GRCh38, 1-based): chr11:65,867,875, C>T on the plus strand (G>A on the coding strand, the complement: EFEMP2 is on the minus strand). VCF-style: chr11-65867875-C-T. GRCh37 (hg19) VCF-style: chr11-65635346-C-T.
Other names: short protein forms D386N.
Identifiers: ClinVar variation 2874033 (VCV002874033.2), dbSNP rs777806636, ClinGen allele CA381350652.

ClinVar aggregate classification (germline): Uncertain significance (1 of 4 stars; one submission).

Conditions:
Cutis laxa, autosomal recessive, type 1B (ARCL1B). Also called: EFEMP2-Related Cutis Laxa; CUTIS LAXA, AUTOSOMAL RECESSIVE, TYPE IB. Identifiers: Orphanet 90349, MedGen C3280798, MONDO:0013754, OMIM 614437. Disease mechanism: loss of function.

gnomAD v4.1: 12 of 1,614,092 alleles (0.00074%); highest among the groups gnomAD compares: Non-Finnish European, 0.001%; no homozygotes.

Submission:

Labcorp Genetics (formerly Invitae), Labcorp
Classification: Uncertain significance for Cutis laxa, autosomal recessive, type 1B. Last evaluated: 2023-10-07. Review status: criteria provided, single submitter. Criteria: Invitae Variant Classification Sherloc (09022015). Collection method: clinical testing. Allele origin: germline.
Comment: This sequence change replaces aspartic acid, which is acidic and polar, with asparagine, which is neutral and polar, at codon 386 of the EFEMP2 protein (p.Asp386Asn). This variant is present in population databases (no rsID available, gnomAD 0.0009%). This variant has not been reported in the literature in individuals affected with EFEMP2-related conditions. Advanced modeling of protein sequence and biophysical properties (such as structural, functional, and spatial information, amino acid conservation, physicochemical variation, residue mobility, and thermodynamic stability) performed at Invitae indicates that this missense variant is not expected to disrupt EFEMP2 protein function. In summary, the available evidence is currently insufficient to determine the role of this variant in disease. Therefore, it has been classified as a Variant of Uncertain Significance.